The following is an entry in ClinVar:

ClinVar aggregate classification (germline): Uncertain significance (1 of 4 stars; one submission).

Conditions:
Combined immunodeficiency due to DOCK8 deficiency (HIES2). Also called: Hyper-IgE recurrent infection syndrome, autosomal recessive; HIES autosomal recessive; DOCK8 Deficiency; HYPER-IgE RECURRENT INFECTION SYNDROME 2, AUTOSOMAL RECESSIVE; HYPER-IgE SYNDROME 2, AUTOSOMAL RECESSIVE, WITH RECURRENT INFECTIONS. Identifiers: Orphanet 217390, MedGen C4722305, MONDO:0009478, OMIM 243700.

Submission:

Labcorp Genetics (formerly Invitae), Labcorp
Classification: Uncertain significance for Combined immunodeficiency due to DOCK8 deficiency. Last evaluated: 2024-04-29. Review status: criteria provided, single submitter. Criteria: Invitae Variant Classification Sherloc (09022015). Collection method: clinical testing. Allele origin: germline.
Comment: This sequence change replaces histidine, which is basic and polar, with arginine, which is basic and polar, at codon 1569 of the DOCK8 protein (p.His1569Arg). This variant is not present in population databases (gnomAD no frequency). This variant has not been reported in the literature in individuals affected with DOCK8-related conditions. ClinVar contains an entry for this variant (Variation ID: 1998029). Advanced modeling of protein sequence and biophysical properties (such as structural, functional, and spatial information, amino acid conservation, physicochemical variation, residue mobility, and thermodynamic stability) performed at Invitae indicates that this missense variant is not expected to disrupt DOCK8 protein function with a negative predictive value of 80%. In summary, the available evidence is currently insufficient to determine the role of this variant in disease. Therefore, it has been classified as a Variant of Uncertain Significance.

NM_203447.4(DOCK8):c.4706A>G (p.His1569Arg)

Gene: DOCK8 (dedicator of cytokinesis 8; plus strand). Cytogenetic location: 9p24.3.
Variant type: single nucleotide variant.
Coding change: c.4706A>G on transcript NM_203447.4 (MANE Select); coding-DNA position 4706, A replaced by G.
Protein change: p.His1569Arg; replaces histidine 1569 with arginine.
Molecular consequence: missense variant.
Genome position (GRCh38, 1-based): chr9:432,245, A>G. VCF-style: chr9-432245-A-G. GRCh37 (hg19) VCF-style: chr9-432245-A-G.
Other names: c.4406A>G, p.His1469Arg (NM_001190458.2); c.4502A>G, p.His1501Arg (NM_001193536.2); short protein forms H1569R, H1469R, H1501R.
Identifiers: ClinVar variation 1998029 (VCV001998029.4), dbSNP rs2537355057, ClinGen allele CA372766750.
Genomic context (GRCh38, chr9:432,245, plus strand): 5'-TGCAAGTAACCATGTCCCTGGCATCTTTGGTGGGAAGAGCACCAGACTTTAATGAAGAGC[A>G]CCTGAGAAGATCCTTGAGGACAATTTTGGCCTATTCAGAAGAGGACACAGCCATGCAGAT-3'
Protein context (NP_982272.2, residues 1559-1579): VGRAPDFNEE[His1569Arg]LRRSLRTILA